The following is an entry in ClinVar:

ClinVar aggregate classification (germline): Conflicting classifications of pathogenicity. Review status: criteria provided, conflicting classifications (1 of 4 stars). 4 submissions from 4 submitters: Uncertain significance (1); Likely benign (3). Last evaluated 2026-07-01.

Allele frequency attached by ClinVar (database versions not stated): 1000 Genomes Project 30x 0.00156; 1000 Genomes Project 0.00180; TOPMed 0.00269; gnomAD exomes 0.00272 and 0.00394; ExAC 0.00283; gnomAD 0.00303 and 0.00307; ESP Exome Variant Server 0.00382.
gnomAD v4.1: 6,162 of 1,613,652 alleles (0.38%); highest among the groups gnomAD compares: Non-Finnish European, 0.47%; 22 homozygotes.

Submissions (4):

CeGaT Center for Human Genetics Tuebingen
Classification: Likely benign. Last evaluated: 2026-07-01. Review status: criteria provided, single submitter. Criteria: CeGaT Center For Human Genetics Tuebingen Variant Classification Criteria Version 2. Collection method: clinical testing. Allele origin: germline. Affected: yes. Observed: 4 variant alleles.
Comment: RNF31: BS2

Labcorp Genetics (formerly Invitae), Labcorp
Classification: Likely benign. Last evaluated: 2026-01-22. Review status: criteria provided, single submitter. Criteria: Invitae Variant Classification Sherloc (09022015). Collection method: clinical testing. Allele origin: germline.

Blueprint Genetics
Classification: Likely benign. Last evaluated: 2024-11-27. Review status: criteria provided, single submitter. Criteria: ACMG Guidelines, 2015. Collection method: clinical testing. Allele origin: germline.

Center for Genomics, Ann and Robert H. Lurie Children's Hospital of Chicago
Classification: Uncertain significance. Last evaluated: 2021-07-23. Review status: criteria provided, single submitter. Criteria: ACMG Guidelines, 2015. Collection method: clinical testing. Allele origin: germline.
Comment: RNF31 NM_017999.4 exon 10 p.Gln622Leu (c.1865A>T): This variant has been reported in the literature as a potential risk allele in association with the activated B cell-like (ABC) subtype of diffuse large B cell lymphoma (DLBCL) (Yang 2014 PMID:24491438). This variant is present in 0.5% (353/68024) of European alleles including 2 homozygotes in the Genome Aggregation Database. This variant is present in ClinVar (Variation ID:1128470). Evolutionary conservation suggests that this variant may impact the protein; computational predictive tools suggest that this variant may not impact the protein. In summary, data on this variant is insufficient for disease classification. Therefore, the clinical significance of this variant is uncertain.

NM_017999.5(RNF31):c.1865A>T (p.Gln622Leu)

Gene: RNF31 (ring finger protein 31; plus strand). Cytogenetic location: 14q12.
Variant type: single nucleotide variant.
Coding change: c.1865A>T on transcript NM_017999.5 (MANE Select); coding-DNA position 1865, A replaced by T.
Protein change: p.Gln622Leu; replaces glutamine 622 with leucine.
Molecular consequence: missense variant.
Genome position (GRCh38, 1-based): chr14:24,151,612, A>T. VCF-style: chr14-24151612-A-T. GRCh37 (hg19) VCF-style: chr14-24620821-A-T.
Other names: c.1412A>T, p.Gln471Leu (NM_001310332.2); short protein forms Q471L, Q622L.
Identifiers: ClinVar variation 1128470 (VCV001128470.44), dbSNP rs149481717, ClinGen allele CA7125904.